The following is an entry in ClinVar:

NM_007194.4(CHEK2):c.1510G>C (p.Glu504Gln)

Gene: CHEK2 (checkpoint kinase 2; minus strand). Cytogenetic location: 22q12.1.
Variant type: single nucleotide variant.
Coding change: c.1510G>C on transcript NM_007194.4 (MANE Select); coding-DNA position 1510, G replaced by C.
Protein change: p.Glu504Gln; replaces glutamic acid 504 with glutamine.
Molecular consequence: missense variant.
Genome position (GRCh38, 1-based): chr22:28,689,167, C>G on the plus strand (G>C on the coding strand, the complement: CHEK2 is on the minus strand). VCF-style: chr22-28689167-C-G. GRCh37 (hg19) VCF-style: chr22-29085155-C-G.
Other names: c.1423G>C, p.Glu475Gln (NM_145862.3); c.1639G>C, p.Glu547Gln (NM_001005735.3); c.847G>C, p.Glu283Gln (NM_001257387.3); c.1309G>C, p.Glu437Gln (NM_001349956.3); short protein forms E504Q, E437Q, E475Q, E283Q, E547Q.
Identifiers: ClinVar variation 142479 (VCV000142479.46), dbSNP rs587782489, ClinGen allele CA168459.

ClinVar aggregate classification (germline): Conflicting classifications of pathogenicity. Review status: criteria provided, conflicting classifications (1 of 4 stars). 14 submissions from 14 submitters: Uncertain significance (9); Likely benign (4). 1 of the submissions does not count toward it. Last evaluated 2026-07-10.

Conditions:
CHEK2-related disorder.
Familial cancer of breast. Also called: Hereditary breast cancer; hereditary breast carcinoma; BREAST CANCER, FAMILIAL. Identifiers: Orphanet 227535, MedGen C0346153, MONDO:0016419, OMIM 114480. Disease mechanism: loss of function.
CHEK2-related cancer predisposition (TPDS4). Also called: TUMOR PREDISPOSITION SYNDROME 4; CANCER PREDISPOSITION SYNDROME, CHEK2-RELATED; CHEK2-related cancer susceptibility. Identifiers: Orphanet 524, MedGen C5882668, MONDO:0700271, OMIM 609265.
Bone osteosarcoma. Also called: Osteosarcoma, somatic. Identifiers: Orphanet 668, MedGen C0585442, MONDO:0002629, OMIM 259500.
Prostate cancer. Also called: Malignant tumor of prostate. Identifiers: Orphanet 1331, MedGen C0376358, MONDO:0008315, HP:0012125.
Hereditary cancer. Identifiers: MedGen C1333600.
Hereditary cancer-predisposing syndrome. Also called: Tumor predisposition; Hereditary neoplastic syndrome; Hereditary Cancer Syndrome; Neoplastic Syndromes, Hereditary. Identifiers: Orphanet 140162, MedGen C0027672, MeSH D009386, MONDO:0015356.

Allele frequency attached by ClinVar (database versions not stated): ExAC 0.00004; TOPMed 0.00006.
gnomAD v4.1: 23 of 1,595,222 alleles (0.0014%); highest among the groups gnomAD compares: Admixed American, 0.03%; no homozygotes.

Submissions (14):

PreventionGenetics, part of Exact Sciences
Classification: Uncertain significance for CHEK2-related condition. Last evaluated: 2026-07-10. Review status: criteria provided, single submitter. Criteria: ACMG Guidelines, 2015. Collection method: clinical testing. Allele origin: germline.
Comment: The CHEK2 c.1510G>C variant is predicted to result in the amino acid substitution p.Glu504Gln. This variant has been reported in an individual with breast cancer (Data Sheet 1, Gifoni et al. 2022. PubMed ID: 35957908) and in an individual with colorectal cancer along with additional variants in other genes (Vargas-Parra et al. 2017. PubMed ID: 28577310). This variant has also been reported in individuals participating in genetic testing for hereditary risk of breast, ovarian, or other cancers, several of whom were controls or lacked a personal history of cancer (Yorczyk et al. 2014. PubMed ID: 25318351; Table S3, Weitzel et al. 2019. PubMed ID: 31206626; Table S1, Pérez-Ibave et al. 2023. PubMed ID: 36833268; Ozdemir et al. 2024. PubMed ID: 39594831). Functional studies indicate this variant displays activity similar to wild-type (Vargas-Parra et al. 2017. PubMed ID: 28577310; Stolarova et al. 2023. PubMed ID: 37449874). This variant is reported in 0.026% of alleles in individuals of Latino descent in gnomAD and has conflicting interpretations regarding its pathogenicity in ClinVar, ranging from uncertain to likely benign (Variation ID: 142479). Although we suspect that this variant may be benign, at this time, the clinical significance of this variant is uncertain due to the absence of conclusive functional and genetic evidence.

Labcorp Genetics (formerly Invitae), Labcorp
Classification: Uncertain significance for Familial cancer of breast. Last evaluated: 2026-01-27. Review status: criteria provided, single submitter. Criteria: Invitae Variant Classification Sherloc (09022015). Collection method: clinical testing. Allele origin: germline.
Comment: This sequence change replaces glutamic acid, which is acidic and polar, with glutamine, which is neutral and polar, at codon 504 of the CHEK2 protein (p.Glu504Gln). This variant is present in population databases (rs587782489, gnomAD 0.03%). This missense change has been observed in individual(s) with breast cancer and/or colorectal cancer (PMID: 28577310, 35957908). ClinVar contains an entry for this variant (Variation ID: 142479). An algorithm developed to predict the effect of missense changes on protein structure and function (PolyPhen-2) suggests that this variant is likely to be tolerated. Experimental studies have shown that this missense change does not substantially affect CHEK2 function (PMID: 28577310, 37449874). In summary, the available evidence is currently insufficient to determine the role of this variant in disease. Therefore, it has been classified as a Variant of Uncertain Significance.

Women's Health and Genetics/Laboratory Corporation of America, LabCorp
Classification: Uncertain significance. Last evaluated: 2025-10-30. Review status: criteria provided, single submitter. Criteria: LabCorp Variant Classification Summary - May 2015. Collection method: clinical testing. Allele origin: germline.
Comment: Variant summary: CHEK2 c.1510G>C (p.Glu504Gln) results in a conservative amino acid change in the encoded protein sequence. Algorithms developed to predict the effect of missense changes on protein structure and function all suggest that this variant is likely to be tolerated. The variant allele was found at a frequency of 4.3e-05 in 233634 control chromosomes, predominantly at a frequency of 0.00026 within the Latino subpopulation in the gnomAD database. The available data on variant occurrences in the general population are insufficient to allow any conclusion about variant significance. c.1510G>C has been observed in individuals undergoing testing for Hereditary Breast And Ovarian Cancer Syndrome or with other diagnosed with related cancers (e.g., Balko_2014, Yorczyk_2015, Vargas-Parra_2017, Delimitsou_2019, Weitzel_2019, Stolarova_2023, Perez-Ibave_2023). These reports do not provide unequivocal conclusions about association of the variant with Hereditary Breast And Ovarian Cancer Syndrome. At least one publication reports experimental evidence evaluating an impact on protein function. These results showed no damaging effect of this variant (Delimitsou_2019, Stolarova_2023). The following publications have been ascertained in the context of this evaluation (PMID: 24356096, 30851065, 36833268, 37449874, 28577310, 31206626, 25318351). ClinVar contains an entry for this variant (Variation ID: 142479). Based on the evidence outlined above, the variant was classified as VUS-possibly benign.

CeGaT Center for Human Genetics Tuebingen
Classification: Uncertain significance. Last evaluated: 2025-10-01. Review status: criteria provided, single submitter. Criteria: CeGaT Center For Human Genetics Tuebingen Variant Classification Criteria Version 2. Collection method: clinical testing. Allele origin: germline. Affected: yes. Observed: 1 variant allele.

Quest Diagnostics Nichols Institute San Juan Capistrano
Classification: Uncertain significance. Last evaluated: 2025-04-28. Review status: criteria provided, single submitter. Criteria: Quest Diagnostics criteria. Collection method: clinical testing. Allele origin: unknown.
Comment: The CHEK2 c.1510G>C (p.Glu504Gln) variant has been reported in the published literature in individuals with breast cancer (PMID: 35957908 (2022)), Lynch Syndrome-like phenotype (PMID: 28577310 (2017)) as well as in reportedly unaffected individuals (PMID: 31206626 (2019), 33471991 (2021), see also LOVD). This variant was reported to have wildtype-like activity and characterized as non-damaging in published functional studies (PMID: 30851065 (2019), 37449874 (2023)). The frequency of this variant in the general population (Genome Aggregation Database) is uninformative in the assessment of its pathogenicity. Analysis of this variant using bioinformatics tools for the prediction of the effect of amino acid changes on protein structure and function yielded predictions that this variant is benign. Based on the available information, we are unable to determine the clinical significance of this variant.

Ambry Genetics
Classification: Likely benign for Hereditary cancer-predisposing syndrome. Last evaluated: 2025-02-12. Review status: criteria provided, single submitter. Criteria: Ambry Variant Classification Scheme 2023. Collection method: clinical testing. Allele origin: germline.

Mendelics
Classification: Likely benign for Hereditary cancer. Last evaluated: 2024-09-11. Review status: criteria provided, single submitter. Criteria: ACMG Guidelines, 2015. Collection method: clinical testing. Allele origin: unknown.
Comment: This variant is considered likely benign or benign based on one or more of the following: it is predicted to be benign by multiple in silico algorithms, and/or has population frequency not consistent with disease, and/or has normal protein function, and/or has lack of segregation with disease, and/or has been detected in co-occurrence with known pathogenic variant, and/or has lack of disease association in case-control studies, and/or is located in a region inconsistent with a known cause of pathogenicity.

GeneDx
Classification: Uncertain significance. Last evaluated: 2024-05-20. Review status: criteria provided, single submitter. Criteria: GeneDx Variant Classification Process June 2021. Collection method: clinical testing. Allele origin: germline. Affected: yes.
Comment: Published functional studies demonstrate no damaging effect: cell growth and proliferation after DNA damage similar to wild type (PMID: 30851065); In silico analysis indicates that this missense variant does not alter protein structure/function; Not observed at significant frequency in large population cohorts (gnomAD); Observed in individuals with colorectal or breast cancer and also in unaffected controls (PMID: 28577310, 31206626, 33471991, 35957908); This variant is associated with the following publications: (PMID: 25318351, 24356096, 33471991, 31206626, 28577310, 30851065, 35957908)

Myriad Genetics, Inc.
Classification: Likely benign for Familial cancer of breast. Last evaluated: 2023-03-08. Review status: criteria provided, single submitter. Criteria: Myriad Autosomal Dominant, Autosomal Recessive and X-Linked Classification Criteria (2023). Collection method: clinical testing. Allele origin: unknown.
Comment: This variant is considered likely benign. This variant is strongly associated with less severe personal and family histories of cancer, typical for individuals without pathogenic variants in this gene [PMID: 25085752].

Department of Pathology and Laboratory Medicine, Sinai Health System
Classification: Uncertain significance for CHEK2-related cancer predisposition. Last evaluated: 2022-03-31. Review status: criteria provided, single submitter. Criteria: ACMG Guidelines, 2015. Collection method: clinical testing. Allele origin: germline. Affected: yes.

Sema4
Classification: Uncertain significance for Hereditary cancer-predisposing syndrome. Last evaluated: 2021-11-12. Review status: criteria provided, single submitter. Criteria: Sema4 Curation Guidelines. Collection method: curation. Allele origin: germline.
Comment: The CHEK2 c.1510G>C (p.E504Q) variant has been reported in an individual with Lynch-associated tumor and in a patient who underwent hereditary cancer testing (PMID: 25318351, 28577310). It was observed in 9/35206 chromosomes of the Latino subpopulation in the large and broad cohorts of the Genome Aggregation Database (PMID: 32461654). The variant has been reported in ClinVar (Variation ID 142479). In silico tools suggest the impact of the variant on protein function is benign and a DNA damage sensitivity assay in yeast demonstrated similar to wild type function (PMID: 30851065). The evidence is insufficient to meet ACMG/AMP criteria for classifying the variant as benign or pathogenic. Thus, the clinical significance of this variant is currently uncertain.

Fulgent Genetics
Classification: Uncertain significance for Familial cancer of breast; Familial prostate cancer; Bone osteosarcoma; CHEK2-related cancer predisposition. Last evaluated: 2018-10-31. Review status: criteria provided, single submitter. Criteria: ACMG Guidelines, 2015. Collection method: clinical testing. Allele origin: unknown.

Color Diagnostics, LLC DBA Color Health
Classification: Likely benign for Hereditary cancer-predisposing syndrome. Last evaluated: 2016-03-29. Review status: criteria provided, single submitter. Criteria: ACMG Guidelines, 2015. Collection method: clinical testing. Allele origin: germline.

Counsyl
Classification: Uncertain significance for Familial cancer of breast. Last evaluated: 2017-01-20. Review status: no assertion criteria provided. Collection method: clinical testing. Allele origin: unknown. Not counted in ClinVar's aggregate classification.

Literature cited by the submitters: PubMed 28577310 (cited by 5 submitters); PubMed 35957908 (cited by Labcorp Genetics (formerly Invitae), Labcorp and Quest Diagnostics Nichols Institute San Juan Capistrano); PubMed 37449874 (cited by 4 submitters); PubMed 24356096 (cited by Women's Health and Genetics/Laboratory Corporation of America, LabCorp); PubMed 25318351 (cited by 4 submitters); PubMed 30851065 (cited by 5 submitters); PubMed 31206626 (cited by 3 submitters); PubMed 36833268 (cited by Women's Health and Genetics/Laboratory Corporation of America, LabCorp); PubMed 33471991 (cited by Quest Diagnostics Nichols Institute San Juan Capistrano); PubMed 25085752 (cited by Myriad Genetics, Inc.).